The following is an entry in ClinVar:

ClinVar aggregate classification (germline): Uncertain significance (1 of 4 stars; one submission).

Allele frequency attached by ClinVar (database versions not stated): gnomAD 0.00001; TOPMed 0.00001; gnomAD exomes 0.00002; ExAC 0.00003; ESP Exome Variant Server 0.00008.
gnomAD v4.1: 27 of 1,614,028 alleles (0.0017%); highest among the groups gnomAD compares: East Asian, 0.0089%; no homozygotes.

Submission:

Labcorp Genetics (formerly Invitae), Labcorp
Classification: Uncertain significance. Last evaluated: 2021-08-14. Review status: criteria provided, single submitter. Criteria: Invitae Variant Classification Sherloc (09022015). Collection method: clinical testing. Allele origin: germline.
Comment: This sequence change replaces glycine with serine at codon 1516 of the LTBP2 protein (p.Gly1516Ser). The glycine residue is highly conserved and there is a small physicochemical difference between glycine and serine. This variant is present in population databases (rs371111102, ExAC 0.01%). This variant has not been reported in the literature in individuals affected with LTBP2-related conditions. Algorithms developed to predict the effect of missense changes on protein structure and function (SIFT, PolyPhen-2, Align-GVGD) all suggest that this variant is likely to be disruptive. Algorithms developed to predict the effect of sequence changes on RNA splicing suggest that this variant may create or strengthen a splice site. In summary, the available evidence is currently insufficient to determine the role of this variant in disease. Therefore, it has been classified as a Variant of Uncertain Significance.

NM_000428.3(LTBP2):c.4546G>A (p.Gly1516Ser)

Gene: LTBP2 (latent transforming growth factor beta binding protein 2; minus strand). Cytogenetic location: 14q24.3.
Variant type: single nucleotide variant.
Coding change: c.4546G>A on transcript NM_000428.3 (MANE Select); coding-DNA position 4546, G replaced by A.
Protein change: p.Gly1516Ser; replaces glycine 1516 with serine.
Molecular consequence: missense variant.
Genome position (GRCh38, 1-based): chr14:74,503,962, C>T on the plus strand (G>A on the coding strand, the complement: LTBP2 is on the minus strand). VCF-style: chr14-74503962-C-T. GRCh37 (hg19) VCF-style: chr14-74970665-C-T.
Other names: short protein forms G1516S.
Identifiers: ClinVar variation 1390561 (VCV001390561.5), dbSNP rs371111102, ClinGen allele CA7268731.